The following is an entry in ClinVar:

NM_001017995.3(SH3PXD2B):c.1628G>A (p.Arg543Gln)

Gene: SH3PXD2B (SH3 and PX domains 2B; minus strand). Cytogenetic location: 5q35.1.
Variant type: single nucleotide variant.
Coding change: c.1628G>A on transcript NM_001017995.3 (MANE Select); coding-DNA position 1628, G replaced by A.
Protein change: p.Arg543Gln; replaces arginine 543 with glutamine.
Molecular consequence: missense variant. On other transcripts: intron variant (1).
Genome position (GRCh38, 1-based): chr5:172,339,477, C>T on the plus strand (G>A on the coding strand, the complement: SH3PXD2B is on the minus strand). VCF-style: chr5-172339477-C-T. GRCh37 (hg19) VCF-style: chr5-171766481-C-T.
Other names: c.1188+6659G>A (NM_001308175.2); short protein forms R543Q.
Identifiers: ClinVar variation 2085266 (VCV002085266.1), dbSNP rs772313508, ClinGen allele CA3561140.

ClinVar aggregate classification (germline): Uncertain significance (1 of 4 stars; one submission).

Allele frequency attached by ClinVar (database versions not stated): ExAC 0.00003; gnomAD 0.00003; TOPMed 0.00003.
gnomAD v4.1: 32 of 1,610,548 alleles (0.002%); highest among the groups gnomAD compares: Middle Eastern, 0.066%; 1 homozygote.

Submission:

Labcorp Genetics (formerly Invitae), Labcorp
Classification: Uncertain significance. Last evaluated: 2022-11-01. Review status: criteria provided, single submitter. Criteria: Invitae Variant Classification Sherloc (09022015). Collection method: clinical testing. Allele origin: germline.
Comment: This sequence change replaces arginine, which is basic and polar, with glutamine, which is neutral and polar, at codon 543 of the SH3PXD2B protein (p.Arg543Gln). This variant is present in population databases (rs772313508, gnomAD 0.01%), including at least one homozygous and/or hemizygous individual. This variant has not been reported in the literature in individuals affected with SH3PXD2B-related conditions. Algorithms developed to predict the effect of missense changes on protein structure and function are either unavailable or do not agree on the potential impact of this missense change (SIFT: "Deleterious"; PolyPhen-2: "Probably Damaging"; Align-GVGD: "Class C0"). In summary, the available evidence is currently insufficient to determine the role of this variant in disease. Therefore, it has been classified as a Variant of Uncertain Significance.